The following is an entry in ClinVar:

ClinVar aggregate classification (germline): Likely pathogenic. Review status: criteria provided, multiple submitters, no conflicts (2 of 4 stars). 2 submissions from 2 submitters: Likely pathogenic (2). Last evaluated 2024-11-05.

Conditions:
Intellectual developmental disorder, autosomal dominant 45. Also called: MENTAL RETARDATION, AUTOSOMAL DOMINANT 45; Intellectual disability, autosomal dominant 45. Identifiers: MedGen C4539848, MONDO:0030910, OMIM 617600.

Submissions (2):

Dasa
Classification: Likely pathogenic for Intellectual developmental disorder, autosomal dominant 45. Last evaluated: 2024-11-05. Review status: criteria provided, single submitter. Criteria: DASA Assertion Criteria. Collection method: clinical testing. Allele origin: germline.
Comment: NM_001386298.1(CIC):c.5395C>T (p.Gln1799*) is a nonsense variant in CIC predicted to introduce a premature termination codon and is predicted to result in an absent or altered protein product. Loss of function is an established disease mechanism for CIC (PMID: 28288114; PMID: 28263302; PMID: 22542183). Also, this variant is absent from population databases. Based on the currently available evidence, this variant is classified as likely pathogenic.

Medical Genetics and Prenatal Diagnosis Center, Guangxi Academy of Medical Sciences and the People’s Hospital of Guangxi Zhuang Autonomous Region
Classification: Likely pathogenic for Intellectual developmental disorder, autosomal dominant 45. Review status: criteria provided, single submitter. Criteria: ACMG Guidelines, 2015. Collection method: clinical testing. Allele origin: maternal. Affected: yes.
Comment: NM_015125.5(CIC):c.5395C>T is a nonsense mutation predicted to cause premature termination of protein synthesis. This variant creates a premature termination codon, leading to a truncated protein product and predicted loss of normal gene function (PVS1); this variant is not reported in the Genome Aggregation Database (gnomAD) (PM2_Supporting). In summary, based on the ACMG Guidelines, 2015 (PMID: 25741868), the above evidence supports classifying this variant as Likely Pathogenic for autosomal dominant intellectual developmental disorder 45, with the classification criteria being PVS1 and PM2_Supporting.

Literature cited by the submitters: PubMed 28288114 (cited by Dasa); PubMed 28263302 (cited by Dasa); PubMed 22542183 (cited by Dasa).

NM_001386298.1(CIC):c.5395C>T (p.Gln1799Ter)

Gene: CIC (capicua transcriptional repressor; plus strand). Cytogenetic location: 19q13.2.
Variant type: single nucleotide variant.
Coding change: c.5395C>T on transcript NM_001386298.1 (MANE Select); coding-DNA position 5395, C replaced by T.
Protein change: p.Gln1799Ter; replaces glutamine 1799 with a stop codon.
Molecular consequence: nonsense.
Genome position (GRCh38, 1-based): chr19:42,291,436, C>T. VCF-style: chr19-42291436-C-T. GRCh37 (hg19) VCF-style: chr19-42795588-C-T.
Other names: c.2668C>T, p.Gln890Ter (NM_015125.5, NM_001379484.1, NM_001379485.1 and 3 more transcripts); c.5395C>T, p.Gln1799Ter (NM_001304815.2, NM_001379480.1, NM_001379482.1 and 6 more transcripts); short protein forms Q1799*, Q890*.
Identifiers: ClinVar variation 4539825 (VCV004539825.3).
Genomic context (GRCh38, chr19:42,291,436, plus strand): 5'-ACTTCCACCAACGGCAAAGTCCTGGCTGCCACTGCACCCACTCCTGGCATCCCCATCCTG[C>T]AGTCTGTACCCTCCGCCCCACCCCCCAAAGGTGAGACCTGGGCCGGGCAGCACTAGGGGA-3'